The following is an entry in ClinVar:

ClinVar aggregate classification (germline): Uncertain significance (1 of 4 stars; one submission).

Conditions:
Autosomal recessive limb-girdle muscular dystrophy type 2A (LGMDR1). Also called: LEYDEN-MOEBIUS MUSCULAR DYSTROPHY; MUSCULAR DYSTROPHY, PELVOFEMORAL; Limb-girdle muscular dystrophy, type 2A; Calpainopathy; Muscular dystrophy, limb-girdle, type 2A, Amish. Identifiers: Orphanet 267, MedGen C1869123, MONDO:0009675, OMIM 253600. Disease mechanism: loss of function.

Allele frequency attached by ClinVar (database versions not stated): gnomAD exomes below 0.00001.
gnomAD v4.1: 7 of 1,613,972 alleles (0.00043%); highest among the groups gnomAD compares: South Asian, 0.0033%; no homozygotes.

Submission:

Labcorp Genetics (formerly Invitae), Labcorp
Classification: Uncertain significance for Autosomal recessive limb-girdle muscular dystrophy type 2A. Last evaluated: 2025-04-30. Review status: criteria provided, single submitter. Criteria: Invitae Variant Classification Sherloc (09022015). Collection method: clinical testing. Allele origin: germline.
Comment: This sequence change replaces methionine, which is neutral and non-polar, with valine, which is neutral and non-polar, at codon 272 of the CAPN3 protein (p.Met272Val). This variant is present in population databases (no rsID available, gnomAD 0.06%). This variant has not been reported in the literature in individuals affected with CAPN3-related conditions. ClinVar contains an entry for this variant (Variation ID: 2202463). Invitae Evidence Modeling of protein sequence and biophysical properties (such as structural, functional, and spatial information, amino acid conservation, physicochemical variation, residue mobility, and thermodynamic stability) has been performed for this missense variant. However, the output from this modeling did not meet the statistical confidence thresholds required to predict the impact of this variant on CAPN3 protein function. In summary, the available evidence is currently insufficient to determine the role of this variant in disease. Therefore, it has been classified as a Variant of Uncertain Significance.

NM_000070.3(CAPN3):c.814A>G (p.Met272Val)

Gene: CAPN3 (calpain 3; plus strand). Cytogenetic location: 15q15.1.
Variant type: single nucleotide variant.
Coding change: c.814A>G on transcript NM_000070.3 (MANE Select); coding-DNA position 814, A replaced by G.
Protein change: p.Met272Val; replaces methionine 272 with valine.
Molecular consequence: missense variant. On other transcripts: intron variant (1).
Genome position (GRCh38, 1-based): chr15:42,389,965, A>G. VCF-style: chr15-42389965-A-G. GRCh37 (hg19) VCF-style: chr15-42682163-A-G.
Other names: c.814A>G, p.Met272Val (NM_024344.2); c.553A>G, p.Met185Val (NM_212464.2); c.*507A>G (NM_212467.2); c.801+869A>G (NM_173087.2); short protein forms M185V, M272V.
Identifiers: ClinVar variation 2202463 (VCV002202463.2), dbSNP rs373936933, ClinGen allele CA391998453.